The following is an entry in ClinVar:

ClinVar aggregate classification (germline): Uncertain significance (1 of 4 stars; one submission).

Conditions:
Hereditary nonpolyposis colorectal neoplasms. Identifiers: MedGen C0009405, MeSH D003123.

Allele frequency attached by ClinVar (database versions not stated): gnomAD exomes below 0.00001.
gnomAD v4.1: 2 of 1,609,312 alleles (0.00012%); highest among the groups gnomAD compares: South Asian, 0.0022%; no homozygotes.

Submission:

Labcorp Genetics (formerly Invitae), Labcorp
Classification: Uncertain significance for Hereditary nonpolyposis colorectal neoplasms. Last evaluated: 2025-11-10. Review status: criteria provided, single submitter. Criteria: Invitae Variant Classification Sherloc (09022015). Collection method: clinical testing. Allele origin: germline.
Comment: This sequence change falls in intron 10 of the PMS2 gene. It does not directly change the encoded amino acid sequence of the PMS2 protein. It affects a nucleotide within the consensus splice site. This variant is not present in population databases (gnomAD no frequency). This variant has not been reported in the literature in individuals affected with PMS2-related conditions. ClinVar contains an entry for this variant (Variation ID: 1350918). Variants that disrupt the consensus splice site are a relatively common cause of aberrant splicing (PMID: 17576681, 9536098). Algorithms developed to predict the effect of sequence changes on RNA splicing suggest that this variant is not likely to affect RNA splicing. In summary, the available evidence is currently insufficient to determine the role of this variant in disease. Therefore, it has been classified as a Variant of Uncertain Significance.

Literature cited by the submitters: PubMed 17576681; PubMed 9536098.

NM_000535.7(PMS2):c.1144+6A>G

Gene: PMS2 (PMS1 homolog 2, mismatch repair system component; minus strand). Cytogenetic location: 7p22.1.
Variant type: single nucleotide variant.
Coding change: c.1144+6A>G on transcript NM_000535.7 (MANE Select); 6 bases into the intron after coding-DNA position 1144, A replaced by G.
Molecular consequence: intron variant.
Genome position (GRCh38, 1-based): chr7:5,989,794, T>C on the plus strand (A>G on the coding strand, the complement: PMS2 is on the minus strand). VCF-style: chr7-5989794-T-C. GRCh37 (hg19) VCF-style: chr7-6029425-T-C.
Other names: c.826+6A>G (NM_001322008.2, NM_001322007.2); c.584-2174A>G (NM_001322010.2); c.739+6A>G (NM_001322004.2, NM_001322003.2, NM_001322009.2 and 1 more transcripts); c.571+6A>G (NM_001322013.2); c.211+6A>G (NM_001322012.2, NM_001322011.2); c.835+6A>G (NM_001322015.2); c.989-2174A>G (NM_001322006.2); c.1144+6A>G (NM_001322014.2).
Identifiers: ClinVar variation 1350918 (VCV001350918.6), dbSNP rs990022128, ClinGen allele CA153230476.